The following is an entry in ClinVar:

ClinVar aggregate classification (germline): Benign (0 of 4 stars; one submission).

Conditions:
MAP3K6-related disorder. Also called: MAP3K6-related condition.

Allele frequency attached by ClinVar (database versions not stated): TOPMed 0.26921; ESP Exome Variant Server 0.28179; gnomAD 0.29141; 1000 Genomes Project 30x 0.29950; 1000 Genomes Project 0.31050; ExAC 0.32927.
gnomAD v4.1: 568,714 of 1,613,278 alleles (35%); highest among the groups gnomAD compares: East Asian, 50%; 104,565 homozygotes.

Submission:

PreventionGenetics, part of Exact Sciences
Classification: Benign for MAP3K6-related condition. Last evaluated: 2019-10-18. Review status: no assertion criteria provided. Collection method: clinical testing. Allele origin: germline.
Comment: This variant is classified as benign based on ACMG/AMP sequence variant interpretation guidelines (Richards et al. 2015 PMID: 25741868, with internal and published modifications).

NM_004672.5(MAP3K6):c.1364C>T (p.Thr455Ile)

Gene: MAP3K6 (mitogen-activated protein kinase kinase kinase 6; minus strand). Cytogenetic location: 1p36.11.
Variant type: single nucleotide variant.
Coding change: c.1364C>T on transcript NM_004672.5 (MANE Select); coding-DNA position 1364, C replaced by T.
Protein change: p.Thr455Ile; replaces threonine 455 with isoleucine.
Molecular consequence: missense variant.
Genome position (GRCh38, 1-based): chr1:27,362,142, G>A on the plus strand (C>T on the coding strand, the complement: MAP3K6 is on the minus strand). VCF-style: chr1-27362142-G-A. GRCh37 (hg19) VCF-style: chr1-27688633-G-A.
Other names: c.1340C>T, p.Thr447Ile (NM_001297609.2); short protein forms T447I, T455I.
Identifiers: ClinVar variation 3059762 (VCV003059762.2), dbSNP rs1138294, ClinGen allele CA713791.
Genomic context (GRCh38, chr1:27,362,142, plus strand): 5'-GCCACCTACCATATGGGGGCATTGAGCTTATACAGCTGCTCTGCAGCCAGCACCACCTGG[G>A]TGGGGTCATTGGCGAGGATCTGGGCTCCCAGGTAGAAACCCACATCCCAGTAATACTGCA-3'
Protein context (NP_004663.3, residues 445-465): LGAQILANDP[Thr455Ile]QVVLAAEQLY